The following is an entry in ClinVar:

ClinVar aggregate classification (germline): Uncertain significance. Review status: criteria provided, multiple submitters, no conflicts (2 of 4 stars). 2 submissions from 2 submitters: Uncertain significance (2). Last evaluated 2025-05-28.

Conditions:
Familial hypobetalipoproteinemia 1. Also called: Hypobetalipoproteinemia, normotriglyceridemic; Acanthocytosis with hypobetalipoproteinemia; APOB-Related Familial Hypobetalipoproteinemia. Identifiers: MedGen C4551990, MONDO:0014252, OMIM 615558.
Hypercholesterolemia, autosomal dominant, type B (FHCL2). Also called: Familial Hypercholesterolemia Type B; HYPERCHOLESTEROLEMIA, FAMILIAL, DUE TO LIGAND-DEFECTIVE APOLIPOPROTEIN B; Familial hypercholesterolemia 2; APOB-Related Familial Hypercholesterolemia, Autosomal Dominant; APOLIPOPROTEIN B-100, FAMILIAL DEFECTIVE; APOLIPOPROTEIN B-100, FAMILIAL LIGAND-DEFECTIVE. Identifiers: MedGen C1704417, MONDO:0007751, OMIM 144010.
Cardiovascular phenotype. Identifiers: MedGen CN230736.

Allele frequency attached by ClinVar (database versions not stated): gnomAD exomes below 0.00001 and 0.00002; ExAC 0.00001; gnomAD 0.00005 and 0.00006; TOPMed 0.00005; ESP Exome Variant Server 0.00008.
gnomAD v4.1: 40 of 1,614,074 alleles (0.0025%); highest among the groups gnomAD compares: Non-Finnish European, 0.0033%; no homozygotes.

Submissions (2):

Labcorp Genetics (formerly Invitae), Labcorp
Classification: Uncertain significance for Familial hypobetalipoproteinemia 1; Hypercholesterolemia, autosomal dominant, type B. Last evaluated: 2025-05-28. Review status: criteria provided, single submitter. Criteria: Invitae Variant Classification Sherloc (09022015). Collection method: clinical testing. Allele origin: germline.
Comment: This sequence change replaces threonine, which is neutral and polar, with serine, which is neutral and polar, at codon 170 of the APOB protein (p.Thr170Ser). This variant is not present in population databases (gnomAD no frequency). This variant has not been reported in the literature in individuals affected with APOB-related conditions. ClinVar contains an entry for this variant (Variation ID: 921117). Invitae Evidence Modeling of protein sequence and biophysical properties (such as structural, functional, and spatial information, amino acid conservation, physicochemical variation, residue mobility, and thermodynamic stability) indicates that this missense variant is not expected to disrupt APOB protein function with a negative predictive value of 95%. In summary, the available evidence is currently insufficient to determine the role of this variant in disease. Therefore, it has been classified as a Variant of Uncertain Significance.

Ambry Genetics
Classification: Uncertain significance for Cardiovascular phenotype. Last evaluated: 2024-08-14. Review status: criteria provided, single submitter. Criteria: Ambry Variant Classification Scheme 2023. Collection method: clinical testing. Allele origin: germline.

NM_000384.3(APOB):c.508A>T (p.Thr170Ser)

Gene: APOB (apolipoprotein B; minus strand). Cytogenetic location: 2p24.1.
Variant type: single nucleotide variant.
Coding change: c.508A>T on transcript NM_000384.3 (MANE Select); coding-DNA position 508, A replaced by T.
Protein change: p.Thr170Ser; replaces threonine 170 with serine.
Molecular consequence: missense variant.
Genome position (GRCh38, 1-based): chr2:21,037,987, T>A on the plus strand (A>T on the coding strand, the complement: APOB is on the minus strand). VCF-style: chr2-21037987-T-A. GRCh37 (hg19) VCF-style: chr2-21260859-T-A.
Other names: short protein forms T170S.
Identifiers: ClinVar variation 921117 (VCV000921117.8), dbSNP rs370493370, ClinGen allele CA061645.